The following is an entry in ClinVar:

ClinVar aggregate classification (germline): Likely benign (1 of 4 stars; one submission).

Conditions:
POLD1-related polyposis and colorectal cancer syndrome (CRCS10). Also called: Colorectal cancer 10; COLORECTAL CANCER, SUSCEPTIBILITY TO, ON CHROMOSOME 19q; Colorectal cancer, susceptibility to, 10. Identifiers: Orphanet 220460, MedGen C2675481, MONDO:0012953, OMIM 612591.

Submission:

Myriad Genetics, Inc.
Classification: Likely benign for POLD1-related polyposis and colorectal cancer syndrome. Last evaluated: 2025-02-05. Review status: criteria provided, single submitter. Criteria: Myriad Autosomal Dominant, Autosomal Recessive and X-Linked Classification Criteria (2023). Collection method: clinical testing. Allele origin: unknown.
Comment: This variant is considered likely benign. This variant is intronic and is not expected to impact mRNA splicing.

NM_002691.4(POLD1):c.1242+10G>T

Gene: POLD1 (DNA polymerase delta 1, catalytic subunit; plus strand). Cytogenetic location: 19q13.33.
Variant type: single nucleotide variant.
Coding change: c.1242+10G>T on transcript NM_002691.4 (MANE Select); 10 bases into the intron after coding-DNA position 1242, G replaced by T.
Molecular consequence: intron variant.
Genome position (GRCh38, 1-based): chr19:50,403,607, G>T. VCF-style: chr19-50403607-G-T. GRCh37 (hg19) VCF-style: chr19-50906864-G-T.
Other names: c.1242+10G>T (NM_001256849.1, NM_001308632.1).
Identifiers: ClinVar variation 3904199 (VCV003904199.1).